The following is an entry in ClinVar:

NM_005343.4(HRAS):c.291-17C>G

Genes: HRAS (HRas proto-oncogene, GTPase; minus strand), LRRC56 (leucine rich repeat containing 56; plus strand). Cytogenetic location: 11p15.5.
Variant type: single nucleotide variant.
Coding change: c.291-17C>G on transcript NM_005343.4 (MANE Select); 17 bases into the intron before coding-DNA position 291, C replaced by G.
Molecular consequence: intron variant.
Genome position (GRCh38, 1-based): chr11:533,629, G>C on the plus strand (C>G on the coding strand, the complement: HRAS is on the minus strand). VCF-style: chr11-533629-G-C. GRCh37 (hg19) VCF-style: chr11-533629-G-C.
Other names: c.291-17C>G (NM_001130442.3, NM_176795.5); c.-29-17C>G (NM_001318054.2).
Identifiers: ClinVar variation 511469 (VCV000511469.4), dbSNP rs753558541, ClinGen allele CA658797556.

ClinVar aggregate classification (germline): Likely benign. Review status: criteria provided, multiple submitters, no conflicts (2 of 4 stars). 2 submissions from 2 submitters: Likely benign (2). Last evaluated 2024-11-13.

Conditions:
Costello syndrome (CSTLO). Also called: HRAS-Related Costello Syndrome; FACIOCUTANEOSKELETAL SYNDROME; FCS SYNDROME. Identifiers: Orphanet 3071, MedGen C0587248, MONDO:0009026, OMIM 218040.

Submissions (2):

Labcorp Genetics (formerly Invitae), Labcorp
Classification: Likely benign for Costello syndrome. Last evaluated: 2024-11-13. Review status: criteria provided, single submitter. Criteria: Invitae Variant Classification Sherloc (09022015). Collection method: clinical testing. Allele origin: germline.

GeneDx
Classification: Likely benign. Last evaluated: 2017-08-17. Review status: criteria provided, single submitter. Criteria: GeneDx Variant Classification (06012015). Collection method: clinical testing. Allele origin: germline. Affected: yes.
Comment: This variant is considered likely benign or benign based on one or more of the following criteria: it is a conservative change, it occurs at a poorly conserved position in the protein, it is predicted to be benign by multiple in silico algorithms, and/or has population frequency not consistent with disease.